The following is an entry in ClinVar:

NC_000007.14:g.129774728G>A

Gene: MIR96 (microRNA 96; minus strand). Cytogenetic location: 7q32.2.
Variant type: single nucleotide variant.
Molecular consequence: non-coding transcript variant (on NR_029512.1).
Genome position: GRCh38 VCF-style: chr7-129774728-G-A. GRCh37 (hg19) VCF-style: chr7-129414568-G-A.
Identifiers: ClinVar variation 163976 (VCV000163976.32), dbSNP rs73159662, ClinGen allele CA176730.

ClinVar aggregate classification (germline): Benign/Likely benign. Review status: criteria provided, multiple submitters, no conflicts (2 of 4 stars). 7 submissions from 7 submitters: Benign (2); Likely benign (5). Last evaluated 2026-06-01.

Allele frequency attached by ClinVar (database versions not stated): 1000 Genomes Project 0.00180; 1000 Genomes Project 30x 0.00187; ExAC 0.00313; gnomAD exomes 0.00376; ESP Exome Variant Server 0.00432; gnomAD 0.00438 and 0.00451; TOPMed 0.00447.

Submissions (7):

CeGaT Center for Human Genetics Tuebingen
Classification: Likely benign. Last evaluated: 2026-06-01. Review status: criteria provided, single submitter. Criteria: CeGaT Center For Human Genetics Tuebingen Variant Classification Criteria Version 2. Collection method: clinical testing. Allele origin: germline. Affected: yes. Observed: 5 variant alleles.
Comment: MIR96: BS2

Labcorp Genetics (formerly Invitae), Labcorp
Classification: Benign. Last evaluated: 2026-01-19. Review status: criteria provided, single submitter. Criteria: Invitae Variant Classification Sherloc (09022015). Collection method: clinical testing. Allele origin: germline.

Blueprint Genetics
Classification: Likely benign. Last evaluated: 2024-11-20. Review status: criteria provided, single submitter. Criteria: ACMG Guidelines, 2015. Collection method: clinical testing. Allele origin: germline.

Athena Diagnostics
Classification: Benign. Last evaluated: 2019-03-04. Review status: criteria provided, single submitter. Criteria: Athena Diagnostics Criteria. Collection method: clinical testing. Allele origin: germline.

GeneDx
Classification: Likely benign. Last evaluated: 2018-02-01. Review status: criteria provided, single submitter. Criteria: GeneDx Variant Classification (06012015). Collection method: clinical testing. Allele origin: germline. Affected: yes.
Comment: This variant is considered likely benign or benign based on one or more of the following criteria: it is a conservative change, it occurs at a poorly conserved position in the protein, it is predicted to be benign by multiple in silico algorithms, and/or has population frequency not consistent with disease.

Laboratory for Molecular Medicine, Mass General Brigham Personalized Medicine
Classification: Likely benign. Last evaluated: 2015-05-14. Review status: criteria provided, single submitter. Criteria: LMM Criteria. Collection method: clinical testing. Allele origin: germline. Observed: 13 variant alleles.
Comment: c.42C>T in exon 1 of MIR96: This variant is not expected to have clinical signif icance because it does not alter the seed region of the miRNA, is not located wi thin the splice consensus sequence, and has been identified in 0.3% (66/21086) o f chromosomes across multiple populations by the Exome Aggregation Consortium (E xAC; dbSNP rs73159662).

Breakthrough Genomics
Classification: Likely benign. Review status: criteria provided, single submitter. Criteria: ACMG Guidelines, 2015. Collection method: not provided. Allele origin: germline. Inheritance: Autosomal dominant inheritance. Affected: yes.

Literature cited by the submitters: PubMed 22038834 (cited by Athena Diagnostics).